The following is an entry in ClinVar:

ClinVar aggregate classification (germline): Uncertain significance. Review status: criteria provided, multiple submitters, no conflicts (2 of 4 stars). 3 submissions from 3 submitters: Uncertain significance (3). Last evaluated 2025-10-24.

Conditions:
Hyper-IgE recurrent infection syndrome 3, autosomal recessive. Also called: Autosomal recessive hyper-IgE syndrome due to ZNF341 deficiency; HYPER-IgE SYNDROME 3, AUTOSOMAL RECESSIVE, WITH RECURRENT INFECTIONS. Identifiers: Orphanet 641368, MedGen C4748969, MONDO:0032654, OMIM 618282.

Allele frequency attached by ClinVar (database versions not stated): TOPMed 0.00002; gnomAD 0.00005 and 0.00007; ExAC 0.00011; 1000 Genomes Project 30x 0.00062; 1000 Genomes Project 0.00080.
gnomAD v4.1: 71 of 1,614,034 alleles (0.0044%); highest among the groups gnomAD compares: African/African-American, 0.036%; no homozygotes.

Submissions (3):

Mayo Clinic Laboratories, Mayo Clinic
Classification: Uncertain significance. Last evaluated: 2025-10-24. Review status: criteria provided, single submitter. Criteria: ACMG Guidelines, 2015. Collection method: clinical testing. Allele origin: germline. Observed: 1 variant allele.
Comment: BP4_moderate

Labcorp Genetics (formerly Invitae), Labcorp
Classification: Uncertain significance for Combined immunodeficiency due to DOCK8 deficiency. Last evaluated: 2023-11-20. Review status: criteria provided, single submitter. Criteria: Invitae Variant Classification Sherloc (09022015). Collection method: clinical testing. Allele origin: germline.
Comment: This sequence change replaces asparagine, which is neutral and polar, with serine, which is neutral and polar, at codon 1108 of the DOCK8 protein (p.Asn1108Ser). This variant is present in population databases (rs151210108, gnomAD 0.02%). This variant has not been reported in the literature in individuals affected with DOCK8-related conditions. ClinVar contains an entry for this variant (Variation ID: 624348). Advanced modeling of protein sequence and biophysical properties (such as structural, functional, and spatial information, amino acid conservation, physicochemical variation, residue mobility, and thermodynamic stability) performed at Invitae indicates that this missense variant is not expected to disrupt DOCK8 protein function with a negative predictive value of 80%. In summary, the available evidence is currently insufficient to determine the role of this variant in disease. Therefore, it has been classified as a Variant of Uncertain Significance.

CeGaT Center for Human Genetics Tuebingen
Classification: Uncertain significance. Last evaluated: 2018-06-01. Review status: criteria provided, single submitter. Criteria: CeGaT Center For Human Genetics Tuebingen Variant Classification Criteria Version 2. Collection method: clinical testing. Allele origin: germline. Affected: yes. Observed: 1 variant allele.

NM_203447.4(DOCK8):c.3323A>G (p.Asn1108Ser)

Gene: DOCK8 (dedicator of cytokinesis 8; plus strand). Cytogenetic location: 9p24.3.
Variant type: single nucleotide variant.
Coding change: c.3323A>G on transcript NM_203447.4 (MANE Select); coding-DNA position 3323, A replaced by G.
Protein change: p.Asn1108Ser; replaces asparagine 1108 with serine.
Molecular consequence: missense variant.
Genome position (GRCh38, 1-based): chr9:405,006, A>G. VCF-style: chr9-405006-A-G. GRCh37 (hg19) VCF-style: chr9-405006-A-G.
Other names: p.Asn1108Ser; c.3023A>G, p.Asn1008Ser (NM_001190458.2); c.3119A>G, p.Asn1040Ser (NM_001193536.2); short protein forms N1108S, N1008S, N1040S.
Identifiers: ClinVar variation 624348 (VCV000624348.47), dbSNP rs151210108, ClinGen allele CA4958639.